The following is an entry in ClinVar:

NM_024422.6(DSC2):c.260T>C (p.Leu87Ser)

Gene: DSC2 (desmocollin 2; minus strand). Cytogenetic location: 18q12.1.
Variant type: single nucleotide variant.
Coding change: c.260T>C on transcript NM_024422.6 (MANE Select); coding-DNA position 260, T replaced by C.
Protein change: p.Leu87Ser; replaces leucine 87 with serine.
Molecular consequence: missense variant. On other transcripts: 5 prime UTR variant (2).
Genome position (GRCh38, 1-based): chr18:31,092,195, A>G on the plus strand (T>C on the coding strand, the complement: DSC2 is on the minus strand). VCF-style: chr18-31092195-A-G. GRCh37 (hg19) VCF-style: chr18-28672158-A-G.
Other names: c.-170T>C (NM_001406506.1, NM_001406507.1); c.260T>C, p.Leu87Ser (NM_004949.5); short protein forms L87S.
Identifiers: ClinVar variation 3386556 (VCV003386556.2).
Genomic context (GRCh38, chr18:31,092,195, plus strand): 5'-TTCTTTTCTTGGTTCTCAGTGTTGGAAAGTAATATGGTAAAACTTCTCTTCTCCGAGGAC[A>G]ATAGAATAGTATTTGTTGTATAGACTGAACCATCCTCCAAAATTTGGAAGTCAGGATCAC-3'
Protein context (NP_077740.1, residues 77-97): GSVYTTNTIL[Leu87Ser]SSEKRSFTIL

ClinVar aggregate classification (germline): Uncertain significance. Review status: criteria provided, multiple submitters, no conflicts (2 of 4 stars). 2 submissions from 2 submitters: Uncertain significance (2). Last evaluated 2025-03-29.

Conditions:
Familial isolated arrhythmogenic right ventricular dysplasia. Identifiers: Orphanet 217656, MedGen C4274968, MONDO:0016342.
Arrhythmogenic right ventricular dysplasia 11. Also called: ARRHYTHMOGENIC RIGHT VENTRICULAR DYSPLASIA, FAMILIAL, 11; Arrhythmogenic Right Ventricular Dysplasia/Cardiomyopathy11; Arrhythmogenic right ventricular dysplasia 11 with mild palmoplantar keratoderma and woolly hair. Identifiers: MedGen C1864850, MONDO:0012506, OMIM 610476.

Submissions (2):

Labcorp Genetics (formerly Invitae), Labcorp
Classification: Uncertain significance for Arrhythmogenic right ventricular dysplasia 11. Last evaluated: 2025-03-29. Review status: criteria provided, single submitter. Criteria: Invitae Variant Classification Sherloc (09022015). Collection method: clinical testing. Allele origin: germline.
Comment: This sequence change replaces leucine, which is neutral and non-polar, with serine, which is neutral and polar, at codon 87 of the DSC2 protein (p.Leu87Ser). This variant is not present in population databases (gnomAD no frequency). This variant has not been reported in the literature in individuals affected with DSC2-related conditions. ClinVar contains an entry for this variant (Variation ID: 3386556). Invitae Evidence Modeling of protein sequence and biophysical properties (such as structural, functional, and spatial information, amino acid conservation, physicochemical variation, residue mobility, and thermodynamic stability) indicates that this missense variant is expected to disrupt DSC2 protein function with a positive predictive value of 80%. In summary, the available evidence is currently insufficient to determine the role of this variant in disease. Therefore, it has been classified as a Variant of Uncertain Significance.

All of Us Research Program, National Institutes of Health
Classification: Uncertain significance for Familial isolated arrhythmogenic right ventricular dysplasia. Last evaluated: 2024-03-05. Review status: criteria provided, single submitter. Criteria: ACMG Guidelines, 2015. Collection method: clinical testing. Allele origin: germline. Inheritance: Autosomal dominant inheritance. Observed: 1 variant allele, 1 heterozygote.
Comment: This study involves interpretation of variants in research participants for the purpose of population health screening. Participant phenotype was not available at the time of variant classification. Additional details can be found in publication PMID: 35346344, PMCID: PMC8962531